The following is an entry in ClinVar:

ClinVar aggregate classification (germline): Uncertain significance. Review status: criteria provided, multiple submitters, no conflicts (2 of 4 stars). 3 submissions from 3 submitters: Uncertain significance (3). Last evaluated 2025-11-05.

Conditions:
Intellectual developmental disorder with autism and macrocephaly. Also called: Autism, susceptibility to, 18; CHD8-Related Neurodevelopmental Disorder with Overgrowth. Identifiers: Orphanet 642675, MedGen C3554373, MONDO:0014017, OMIM 615032.

Allele frequency attached by ClinVar (database versions not stated): TOPMed below 0.00001.

Submissions (3):

Labcorp Genetics (formerly Invitae), Labcorp
Classification: Uncertain significance. Last evaluated: 2025-11-05. Review status: criteria provided, single submitter. Criteria: Invitae Variant Classification Sherloc (09022015). Collection method: clinical testing. Allele origin: germline.
Comment: This sequence change replaces valine, which is neutral and non-polar, with isoleucine, which is neutral and non-polar, at codon 1152 of the CHD8 protein (p.Val1152Ile). This variant is not present in population databases (gnomAD no frequency). This variant has not been reported in the literature in individuals affected with CHD8-related conditions. ClinVar contains an entry for this variant (Variation ID: 989320). Invitae Evidence Modeling of protein sequence and biophysical properties (such as structural, functional, and spatial information, amino acid conservation, physicochemical variation, residue mobility, and thermodynamic stability) has been performed for this missense variant. However, the output from this modeling did not meet the statistical confidence thresholds required to predict the impact of this variant on CHD8 protein function. In summary, the available evidence is currently insufficient to determine the role of this variant in disease. Therefore, it has been classified as a Variant of Uncertain Significance.

Illumina Laboratory Services, Illumina
Classification: Uncertain significance for Intellectual developmental disorder with autism and macrocephaly. Last evaluated: 2024-04-16. Review status: criteria provided, single submitter. Criteria: ISL SNV Classification Criteria 03 February 2026. Collection method: clinical testing. Allele origin: unknown.
Comment: The CHD8 c.3454G>A p.(Val1152Ile) missense variant has not, to our knowledge, been reported in the peer-reviewed literature. This variant is not observed in version 2.1.1 or version 4.0.0 of the Genome Aggregation Database. Based on the available evidence, the c.3454G>A p.(Val1152Ile) variant is classified as a variant of uncertain significance for CHD8-related neurodevelopmental disorder with overgrowth.

Women's Health and Genetics/Laboratory Corporation of America, LabCorp
Classification: Uncertain significance. Last evaluated: 2023-11-01. Review status: criteria provided, single submitter. Criteria: LabCorp Variant Classification Summary - May 2015. Collection method: clinical testing. Allele origin: germline.
Comment: Variant summary: CHD8 c.3454G>A (p.Val1152Ile) results in a conservative amino acid change located in the Helicase, C-terminal domain (IPR001650) of the encoded protein sequence. Four of five in-silico tools predict a damaging effect of the variant on protein function. The variant was absent in 248802 control chromosomes (gnomAD). To our knowledge, no occurrence of c.3454G>A in individuals affected with CHD8-Related Disorders and no experimental evidence demonstrating its impact on protein function have been reported. One submitter has cited clinical-significance assessments for this variant to ClinVar after 2014 and has classified the variant as uncertain significance. Based on the evidence outlined above, the variant was classified as uncertain significance.

NM_001170629.2(CHD8):c.3454G>A (p.Val1152Ile)

Gene: CHD8 (chromodomain helicase DNA binding protein 8; minus strand). Cytogenetic location: 14q11.2.
Variant type: single nucleotide variant.
Coding change: c.3454G>A on transcript NM_001170629.2 (MANE Select); coding-DNA position 3454, G replaced by A.
Protein change: p.Val1152Ile; replaces valine 1152 with isoleucine.
Molecular consequence: missense variant.
Genome position (GRCh38, 1-based): chr14:21,403,517, C>T on the plus strand (G>A on the coding strand, the complement: CHD8 is on the minus strand). VCF-style: chr14-21403517-C-T. GRCh37 (hg19) VCF-style: chr14-21871676-C-T.
Other names: c.2617G>A, p.Val873Ile (NM_020920.4); short protein forms V1152I, V873I.
Identifiers: ClinVar variation 989320 (VCV000989320.6), dbSNP rs1888123647, ClinGen allele CA388900920.